The following is an entry in ClinVar:

NM_001848.3(COL6A1):c.804+697G>T

Gene: COL6A1 (collagen type VI alpha 1 chain; plus strand). Cytogenetic location: 21q22.3.
Variant type: single nucleotide variant.
Coding change: c.804+697G>T on transcript NM_001848.3 (MANE Select); 697 bases into the intron after coding-DNA position 804, G replaced by T.
Molecular consequence: intron variant.
Genome position (GRCh38, 1-based): chr21:45,988,351, G>T. VCF-style: chr21-45988351-G-T. GRCh37 (hg19) VCF-style: chr21-47408265-G-T.
Identifiers: ClinVar variation 5034851 (VCV005034851.1).

ClinVar aggregate classification (germline): Uncertain significance (1 of 4 stars; one submission).

Conditions:
Inborn genetic diseases. Identifiers: MedGen C0950123, MeSH D030342.

Submission:

Ambry Genetics
Classification: Uncertain significance for Inborn genetic diseases. Last evaluated: 2026-07-16. Review status: criteria provided, single submitter. Criteria: Ambry Variant Classification Scheme 2023. Collection method: clinical testing. Allele origin: germline.
Comment: The c.804+697G>T intronic alteration consists of a G to T substitution 97 nucleotides after coding exon 8 in the COL6A1 gene. This variant was not reported in population-based cohorts in the Genome Aggregation Database (gnomAD). This nucleotide position has limited alignment in available vertebrate species. In silico splice site analysis predicts that this alteration may result in the creation or strengthening of a novel splice donor site. Based on insufficient or conflicting evidence, the clinical significance of this alteration remains unclear.